The following is an entry in ClinVar:

ClinVar aggregate classification (germline): Uncertain significance (1 of 4 stars; one submission).

gnomAD v4.1: 1 of 1,614,132 alleles (0.000062%); highest among the groups gnomAD compares: South Asian, 0.0011%; no homozygotes.

Submission:

Labcorp Genetics (formerly Invitae), Labcorp
Classification: Uncertain significance. Last evaluated: 2024-10-30. Review status: criteria provided, single submitter. Criteria: Invitae Variant Classification Sherloc (09022015). Collection method: clinical testing. Allele origin: germline.
Comment: This sequence change replaces serine, which is neutral and polar, with arginine, which is basic and polar, at codon 2042 of the ARID1A protein (p.Ser2042Arg). This variant is not present in population databases (gnomAD no frequency). This variant has not been reported in the literature in individuals affected with ARID1A-related conditions. Invitae Evidence Modeling of protein sequence and biophysical properties (such as structural, functional, and spatial information, amino acid conservation, physicochemical variation, residue mobility, and thermodynamic stability) indicates that this missense variant is not expected to disrupt ARID1A protein function with a negative predictive value of 80%. In summary, the available evidence is currently insufficient to determine the role of this variant in disease. Therefore, it has been classified as a Variant of Uncertain Significance.

NM_006015.6(ARID1A):c.6126C>G (p.Ser2042Arg)

Gene: ARID1A (AT-rich interaction domain 1A; plus strand). Cytogenetic location: 1p36.11.
Variant type: single nucleotide variant.
Coding change: c.6126C>G on transcript NM_006015.6 (MANE Select); coding-DNA position 6126, C replaced by G.
Protein change: p.Ser2042Arg; replaces serine 2042 with arginine.
Molecular consequence: missense variant.
Genome position (GRCh38, 1-based): chr1:26,780,024, C>G. VCF-style: chr1-26780024-C-G. GRCh37 (hg19) VCF-style: chr1-27106515-C-G.
Other names: c.5475C>G, p.Ser1825Arg (NM_139135.4); short protein forms S1825R, S2042R.
Identifiers: ClinVar variation 3666211 (VCV003666211.2).